The following is an entry in ClinVar:

NM_018706.7(DHTKD1):c.790C>A (p.His264Asn)

Gene: DHTKD1 (dehydrogenase E1 and transketolase domain containing 1; plus strand). Cytogenetic location: 10p14.
Variant type: single nucleotide variant.
Coding change: c.790C>A on transcript NM_018706.7 (MANE Select); coding-DNA position 790, C replaced by A.
Protein change: p.His264Asn; replaces histidine 264 with asparagine.
Molecular consequence: missense variant.
Genome position (GRCh38, 1-based): chr10:12,089,058, C>A. VCF-style: chr10-12089058-C-A. GRCh37 (hg19) VCF-style: chr10-12131057-C-A.
Other names: short protein forms H264N.
Identifiers: ClinVar variation 3359876 (VCV003359876.1).

ClinVar aggregate classification (germline): Uncertain significance (1 of 4 stars; one submission).

Submission:

GeneDx
Classification: Uncertain significance. Last evaluated: 2023-06-20. Review status: criteria provided, single submitter. Criteria: GeneDx Variant Classification Process June 2021. Collection method: clinical testing. Allele origin: germline. Affected: yes.
Comment: Not observed at significant frequency in large population cohorts (gnomAD); In silico analysis supports that this missense variant has a deleterious effect on protein structure/function; Has not been previously published as pathogenic or benign to our knowledge